The following is an entry in ClinVar:

NM_145061.6(SKA3):c.657A>G (p.Lys219=)

Gene: SKA3 (spindle and kinetochore associated complex subunit 3; minus strand). Cytogenetic location: 13q12.11.
Variant type: single nucleotide variant.
Coding change: c.657A>G on transcript NM_145061.6 (MANE Select); coding-DNA position 657, A replaced by G.
Protein change: p.Lys219=; no amino-acid change (lysine 219 retained).
Molecular consequence: synonymous variant.
Genome position (GRCh38, 1-based): chr13:21,168,074, T>C on the plus strand (A>G on the coding strand, the complement: SKA3 is on the minus strand). VCF-style: chr13-21168074-T-C. GRCh37 (hg19) VCF-style: chr13-21742213-T-C.
Other names: c.657A>G, p.Lys219= (NM_001166017.2).
Identifiers: ClinVar variation 2643670 (VCV002643670.24), dbSNP rs2500206303, ClinGen allele CA482889157.

ClinVar aggregate classification (germline): Likely benign (1 of 4 stars; one submission).

Allele frequency attached by ClinVar (database versions not stated): gnomAD exomes below 0.00001.
gnomAD v4.1: 3 of 1,614,098 alleles (0.00019%); highest among the groups gnomAD compares: Non-Finnish European, 0.00025%; no homozygotes.

Submission:

CeGaT Center for Human Genetics Tuebingen
Classification: Likely benign. Last evaluated: 2023-03-01. Review status: criteria provided, single submitter. Criteria: CeGaT Center For Human Genetics Tuebingen Variant Classification Criteria Version 2. Collection method: clinical testing. Allele origin: germline. Affected: yes. Observed: 1 variant allele.
Comment: SKA3: PM2:Supporting, BP4, BP7